The following is an entry in ClinVar:

NM_016818.3(ABCG1):c.183G>A (p.Thr61=)

Gene: ABCG1 (ATP binding cassette subfamily G member 1; plus strand). Cytogenetic location: 21q22.3.
Variant type: single nucleotide variant.
Coding change: c.183G>A on transcript NM_016818.3 (MANE Select); coding-DNA position 183, G replaced by A.
Protein change: p.Thr61=; no amino-acid change (threonine 61 retained).
Molecular consequence: synonymous variant.
Genome position (GRCh38, 1-based): chr21:42,225,811, G>A. VCF-style: chr21-42225811-G-A. GRCh37 (hg19) VCF-style: chr21-43645921-G-A.
Other names: c.183G>A, p.Thr61= (NM_004915.4); c.216G>A, p.Thr72= (NM_207174.1); c.189G>A, p.Thr63= (NM_207627.2); c.117G>A, p.Thr39= (NM_207628.1); c.174G>A, p.Thr58= (NM_207629.2).
Identifiers: ClinVar variation 3046123 (VCV003046123.2), dbSNP rs763046609, ClinGen allele CA10040869.

ClinVar aggregate classification (germline): Likely benign (0 of 4 stars; one submission).

Conditions:
ABCG1-related disorder. Also called: ABCG1-related condition.

Allele frequency attached by ClinVar (database versions not stated): gnomAD 0.00004; ExAC 0.00005; TOPMed 0.00005; gnomAD exomes 0.00010.
gnomAD v4.1: 145 of 1,613,816 alleles (0.009%); highest among the groups gnomAD compares: Non-Finnish European, 0.011%; no homozygotes.

Submission:

PreventionGenetics, part of Exact Sciences
Classification: Likely benign for ABCG1-related condition. Last evaluated: 2019-10-07. Review status: no assertion criteria provided. Collection method: clinical testing. Allele origin: germline.
Comment: This variant is classified as likely benign based on ACMG/AMP sequence variant interpretation guidelines (Richards et al. 2015 PMID: 25741868, with internal and published modifications).